The following is an entry in ClinVar:

ClinVar aggregate classification (germline): Uncertain significance (1 of 4 stars; one submission).

Conditions:
Van Maldergem syndrome 2 (VMLDS2). Identifiers: Orphanet 314679, MedGen C3809875, MONDO:0014242, OMIM 615546.

Submission:

Victorian Clinical Genetics Services, Murdoch Childrens Research Institute
Classification: Uncertain significance for Van Maldergem syndrome 2. Last evaluated: 2023-12-21. Review status: criteria provided, single submitter. Criteria: ACMG Guidelines, 2015. Collection method: clinical testing. Allele origin: germline. Inheritance: Autosomal recessive inheritance. Affected: yes.
Comment: Based on the classification scheme VCGS_Germline_v1.3.4, this variant is classified as VUS-3C. Following criteria are met: 0102 - Loss of function is a known mechanism of disease in this gene and is associated with Hennekam lymphangiectasia-lymphedema syndrome 2 (MIM#616006), and Van Maldergem syndrome 2 (MIM#615546). (I) 0106 - This gene is associated with autosomal recessive disease. (I) 0200 - Variant is predicted to result in a missense amino acid change from threonine to asparagine. (I) 0251 - This variant is heterozygous. (I) 0301 - Variant is absent from gnomAD (both v2 and v3). (SP) 0309 - An alternative amino acid change at the same position has been observed in gnomAD (v3) (1 heterozygote, 0 homozygotes). (I) 0503 - Missense variant consistently predicted to be tolerated by multiple in silico tools or not conserved in placental mammals with a minor amino acid change. (SB) 0604 - Variant is not located in an established domain, motif, hotspot or informative constraint region. (I) 0705 - No comparable missense variants have previous evidence for pathogenicity. (I) 0807 - This variant has no previous evidence of pathogenicity. (I) 0905 - No published segregation evidence has been identified for this variant. (I) 1007 - No published functional evidence has been identified for this variant. (I) Legend: (SP) - Supporting pathogenic, (I) - Information, (SB) - Supporting benign

NM_001291303.3(FAT4):c.11186C>A (p.Thr3729Asn)

Gene: FAT4 (FAT atypical cadherin 4; plus strand). Cytogenetic location: 4q28.1.
Variant type: single nucleotide variant.
Coding change: c.11186C>A on transcript NM_001291303.3 (MANE Select); coding-DNA position 11186, C replaced by A.
Protein change: p.Thr3729Asn; replaces threonine 3729 with asparagine.
Molecular consequence: missense variant.
Genome position (GRCh38, 1-based): chr4:125,452,196, C>A. VCF-style: chr4-125452196-C-A. GRCh37 (hg19) VCF-style: chr4-126373351-C-A.
Other names: c.11186C>A, p.Thr3729Asn (NM_001291285.3); c.11180C>A, p.Thr3727Asn (NM_024582.6); short protein forms T3727N, T3729N.
Identifiers: ClinVar variation 3255115 (VCV003255115.1), dbSNP rs2126061827.